The following is an entry in ClinVar:

NM_004380.3(CREBBP):c.7090T>C (p.Ser2364Pro)

Gene: CREBBP (CREB binding lysine acetyltransferase; minus strand). Cytogenetic location: 16p13.3.
Variant type: single nucleotide variant.
Coding change: c.7090T>C on transcript NM_004380.3 (MANE Select); coding-DNA position 7090, T replaced by C.
Protein change: p.Ser2364Pro; replaces serine 2364 with proline.
Molecular consequence: missense variant.
Genome position (GRCh38, 1-based): chr16:3,727,957, A>G on the plus strand (T>C on the coding strand, the complement: CREBBP is on the minus strand). VCF-style: chr16-3727957-A-G. GRCh37 (hg19) VCF-style: chr16-3777958-A-G.
Other names: c.6976T>C, p.Ser2326Pro (NM_001079846.1); short protein forms S2326P, S2364P.
Identifiers: ClinVar variation 3711607 (VCV003711607.2).
Genomic context (GRCh38, chr16:3,727,957, plus strand): 5'-GGGGGGAACCAGTCTGGGGTGAGACGTGGTGTGGCGAAGGCTGGGGCTGTATCCGTGGTG[A>G]CGGGCTGGAATGTGGAGGCTGGGACTGGGGCCGTGGAGACTGGACAGGGGCTGGAGACCG-3'
Protein context (NP_004371.2, residues 2354-2374): PQSQPPHSSP[Ser2364Pro]PRIQPQPSPH

ClinVar aggregate classification (germline): Uncertain significance (1 of 4 stars; one submission).

Conditions:
Rubinstein-Taybi syndrome (RSTS). Identifiers: Orphanet 783, MedGen C0035934, MONDO:0019188.

gnomAD v4.1: 1 of 1,606,860 alleles (0.000062%); highest among the groups gnomAD compares: Non-Finnish European, 0.000085%; no homozygotes.

Submission:

Labcorp Genetics (formerly Invitae), Labcorp
Classification: Uncertain significance for Rubinstein-Taybi syndrome. Last evaluated: 2024-08-11. Review status: criteria provided, single submitter. Criteria: Invitae Variant Classification Sherloc (09022015). Collection method: clinical testing. Allele origin: germline.
Comment: This sequence change replaces serine, which is neutral and polar, with proline, which is neutral and non-polar, at codon 2364 of the CREBBP protein (p.Ser2364Pro). This variant is not present in population databases (gnomAD no frequency). This variant has not been reported in the literature in individuals affected with CREBBP-related conditions. Advanced modeling of protein sequence and biophysical properties (such as structural, functional, and spatial information, amino acid conservation, physicochemical variation, residue mobility, and thermodynamic stability) performed at Invitae indicates that this missense variant is expected to disrupt CREBBP protein function with a positive predictive value of 95%. In summary, the available evidence is currently insufficient to determine the role of this variant in disease. Therefore, it has been classified as a Variant of Uncertain Significance.